The following is an entry in ClinVar:

NM_003944.4(SELENBP1):c.5-18G>A

Gene: SELENBP1 (selenium binding protein 1; minus strand). Cytogenetic location: 1q21.3.
Variant type: single nucleotide variant.
Coding change: c.5-18G>A on transcript NM_003944.4 (MANE Select); 18 bases into the intron before coding-DNA position 5, G replaced by A.
Molecular consequence: intron variant. On other transcripts: missense variant (1).
Genome position (GRCh38, 1-based): chr1:151,369,787, C>T on the plus strand (G>A on the coding strand, the complement: SELENBP1 is on the minus strand). VCF-style: chr1-151369787-C-T. GRCh37 (hg19) VCF-style: chr1-151342263-C-T.
Other names: c.113G>A, p.Arg38His (NM_001258289.2); c.5-18G>A (NM_001258288.2); short protein forms R38H.
Identifiers: ClinVar variation 3057023 (VCV003057023.2), dbSNP rs41285000, ClinGen allele CA1090493.

ClinVar aggregate classification (germline): Benign (0 of 4 stars; one submission).

Conditions:
SELENBP1-related disorder. Also called: SELENBP1-related condition.

Allele frequency attached by ClinVar (database versions not stated): 1000 Genomes Project 30x 0.01296; 1000 Genomes Project 0.01338; ExAC 0.01956; TOPMed 0.02201; ESP Exome Variant Server 0.02370; gnomAD 0.02526; gnomAD exomes 0.03577.
gnomAD v4.1: 53,510 of 1,551,848 alleles (3.4%); highest among the groups gnomAD compares: Non-Finnish European, 4%; 1,074 homozygotes.

Submission:

PreventionGenetics, part of Exact Sciences
Classification: Benign for SELENBP1-related condition. Last evaluated: 2019-04-01. Review status: no assertion criteria provided. Collection method: clinical testing. Allele origin: germline.
Comment: This variant is classified as benign based on ACMG/AMP sequence variant interpretation guidelines (Richards et al. 2015 PMID: 25741868, with internal and published modifications).